The following is an entry in ClinVar:

ClinVar aggregate classification (germline): Uncertain significance (1 of 4 stars; one submission).

Allele frequency attached by ClinVar (database versions not stated): gnomAD 0.00001.
gnomAD v4.1: 1 of 1,612,392 alleles (0.000062%); highest among the groups gnomAD compares: Admixed American, 0.0017%; no homozygotes.

Submission:

Labcorp Genetics (formerly Invitae), Labcorp
Classification: Uncertain significance. Last evaluated: 2018-04-05. Review status: criteria provided, single submitter. Criteria: Invitae Variant Classification Sherloc (09022015). Collection method: clinical testing. Allele origin: germline.
Comment: Nucleotide substitutions within the consensus splice site are a relatively common cause of aberrant splicing (PMID: 17576681, 9536098). Algorithms developed to predict the effect of sequence changes on RNA splicing suggest that this variant is not likely to affect RNA splicing, but this prediction has not been confirmed by published transcriptional studies. This sequence change falls in intron 2 of the B4GALT1 gene. It does not directly change the encoded amino acid sequence of the B4GALT1 protein, but it affects a nucleotide within the consensus splice site of the intron. This variant is not present in population databases (ExAC no frequency). This variant has not been reported in the literature in individuals with B4GALT1-related disease. In summary, the available evidence is currently insufficient to determine the role of this variant in disease. Therefore, it has been classified as a Variant of Uncertain Significance.

Literature cited by the submitters: PubMed 17576681; PubMed 9536098.

NM_001497.4(B4GALT1):c.648+6G>A

Gene: B4GALT1 (beta-1,4-galactosyltransferase 1; minus strand). Cytogenetic location: 9p21.1.
Variant type: single nucleotide variant.
Coding change: c.648+6G>A on transcript NM_001497.4 (MANE Select); 6 bases into the intron after coding-DNA position 648, G replaced by A.
Molecular consequence: intron variant.
Genome position (GRCh38, 1-based): chr9:33,135,183, C>T on the plus strand (G>A on the coding strand, the complement: B4GALT1 is on the minus strand). VCF-style: chr9-33135183-C-T. GRCh37 (hg19) VCF-style: chr9-33135181-C-T.
Other names: c.648+6G>A (NM_001378497.1, NM_001378496.1); c.609+6G>A (NM_001378495.1).
Identifiers: ClinVar variation 1051985 (VCV001051985.9), dbSNP rs1840248302, ClinGen allele CA1123044234.